The following is an entry in ClinVar:

ClinVar aggregate classification (germline): Uncertain significance (1 of 4 stars; one submission).

Submission:

CeGaT Center for Human Genetics Tuebingen
Classification: Uncertain significance. Last evaluated: 2026-01-01. Review status: criteria provided, single submitter. Criteria: CeGaT Center For Human Genetics Tuebingen Variant Classification Criteria Version 2. Collection method: clinical testing. Allele origin: germline. Affected: yes. Observed: 1 variant allele.
Comment: MMP13: PM2, BP4

NM_002427.4(MMP13):c.389C>T (p.Thr130Ile)

Gene: MMP13 (matrix metallopeptidase 13; minus strand). Cytogenetic location: 11q22.2.
Variant type: single nucleotide variant.
Coding change: c.389C>T on transcript NM_002427.4 (MANE Select); coding-DNA position 389, C replaced by T.
Protein change: p.Thr130Ile; replaces threonine 130 with isoleucine.
Molecular consequence: missense variant.
Genome position (GRCh38, 1-based): chr11:102,954,580, G>A on the plus strand (C>T on the coding strand, the complement: MMP13 is on the minus strand). VCF-style: chr11-102954580-G-A. GRCh37 (hg19) VCF-style: chr11-102825309-G-A.
Other names: short protein forms T130I.
Identifiers: ClinVar variation 4821698 (VCV004821698.4).